The following is an entry in ClinVar:

ClinVar aggregate classification (germline): Uncertain significance (1 of 4 stars; one submission).

Conditions:
CREBBP-related disorder. Also called: CREBBP-related disorders; CREBBP-related condition.

Submission:

PreventionGenetics, part of Exact Sciences
Classification: Uncertain significance for CREBBP-related condition. Last evaluated: 2026-02-05. Review status: criteria provided, single submitter. Criteria: ACMG Guidelines, 2015. Collection method: clinical testing. Allele origin: germline.
Comment: The CREBBP c.3966_3968delCAA variant is predicted to result in an in-frame deletion (p.Asn1322del). To our knowledge, this variant has not been reported in the literature or in a large population database (gnomAD), indicating this variant is rare. At this time, the clinical significance of this variant is uncertain due to the absence of conclusive functional and genetic evidence.

NM_004380.3(CREBBP):c.3966_3968del (p.Asn1322del)

Gene: CREBBP (CREB binding lysine acetyltransferase; minus strand). Cytogenetic location: 16p13.3.
Variant type: Deletion.
Coding change: c.3966_3968del on transcript NM_004380.3 (MANE Select); coding-DNA positions 3966 to 3968, 3 bases deleted (CAA; older notation c.3966_3968delCAA).
Protein change: p.Asn1322del; deletes asparagine 1322.
Molecular consequence: inframe deletion.
Genome position (GRCh38, 1-based): chr16:3,744,908-3,744,910, TTG deleted on the plus strand (CAA on the coding strand, the reverse complement: CREBBP is on the minus strand); deleting any 3 consecutive bases within chr16:3,744,908-3,744,912 gives the same sequence; the c. name uses the placement nearest the transcript's 3' end. VCF-style (leftmost placement, unchanged base first): chr16-3744907-TTTG-T. GRCh37 (hg19) VCF-style: chr16-3794908-TTTG-T.
Other names: c.3852_3854del, p.Asn1284del (NM_001079846.1); short protein forms N1284del, N1322del.
Identifiers: ClinVar variation 4995558 (VCV004995558.1).